The following continues an entry in ClinVar:

NM_004168.4(SDHA):c.1432_1432+1del

Gene: SDHA. ClinVar aggregate classification (germline): Pathogenic/Likely pathogenic. Pathogenic (9); Likely pathogenic (4).

Submissions 10 to 13 of 13:

Ambry Genetics
Classification: Pathogenic for Hereditary cancer-predisposing syndrome. Last evaluated: 2023-10-24. Review status: criteria provided, single submitter. Criteria: Ambry Variant Classification Scheme 2023. Collection method: clinical testing. Allele origin: germline.
Comment: The c.1432_1432+1delGG pathogenic mutation spans the coding exon 10/intron 10 boundary of the SDHA gene and results from the deletion of 2 nucleotides at nucleotide positions c.1432 and c.1432+1. The deleted region includes the last nucleotide and canonical donor site, which is highly conserved in available vertebrate species. This alteration has been observed in multiple individuals with a personal and/or family history that is consistent with SDHA-related disease (Ambry internal data; Bausch B et al. JAMA Oncol 2017 Sep;3(9):1204-1212; van der Tuin K et al. J Clin Endocrinol Metab 2018 02;103(2):438-445). In silico splice site analysis predicts that this alteration will weaken the native splice donor site. RNA studies have demonstrated that this alteration results in abnormal splicing in the set of samples tested (Ambry internal data). Alterations that disrupt the canonical splice site are expected to cause aberrant splicing, resulting in an abnormal protein or a transcript that is subject to nonsense-mediated mRNA decay. As such, this alteration is classified as a disease-causing mutation.

Clinical Genomics Laboratory, Stanford Medicine
Classification: Likely pathogenic for SDHA-related disorders. Last evaluated: 2022-07-20. Review status: criteria provided, single submitter. Criteria: ACMG Guidelines, 2015. Collection method: clinical testing. Allele origin: germline. Inheritance: Autosomal unknown. Observed: 1 variant allele, 1 heterozygote.
Comment: The c.1432_1432+1del variant in the SDHA gene has been previously reported in the heterozygous state in 5 unrelated individuals with a variety of cancers including paraganglioma, melanoma, renal, breast, and bile duct cancer (PMID: 32782288; PMID: 30877234; PMID: 31263571; PMID: 29177515; PMID: 26556299). This variant has also been identified in 1/113,448 European (non-Finnish) chromosomes by the Genome Aggregation Database. This variant is present in ClinVar (Accession: VCV000239647.24). This variant results in a 2 bp deletion, including the last nucleotide of exon 10 and the first nucleotide of intron 10. This variant disrupts the 5’ exon/intron splice junction, which is predicted to result in abnormal gene splicing and loss of normal protein function through either protein truncation or nonsense-mediated decay. Loss of function is an established mechanism of disease for the SDHA gene. These data were assessed using the ACMG/AMP variant interpretation guidelines. In summary, there is sufficient evidence to classify the c.1432_1432+1del variant as likely pathogenic for SDHA-related disorders based on the information above. [ACMG evidence codes used: PVS1; PM2]

Fulgent Genetics
Classification: Likely pathogenic for Mitochondrial complex II deficiency, nuclear type 1; Dilated cardiomyopathy 1GG; Pheochromocytoma/paraganglioma syndrome 5; Neurodegeneration with ataxia and late-onset optic atrophy. Last evaluated: 2022-01-11. Review status: criteria provided, single submitter. Criteria: ACMG Guidelines, 2015. Collection method: clinical testing. Allele origin: unknown.

Cancer Variant Interpretation Group UK, Institute of Cancer Research, London
Classification: Pathogenic for Pheochromocytoma; paraganglioma. Last evaluated: 2020-07-10. Review status: criteria provided, single submitter. Criteria: ACMG Guidelines, 2015. Collection method: clinical testing. Allele origin: germline. Affected: yes. Observed: 1 variant allele.
Comment: The variant is absent from population database gnomAD (PM2_supporting) and is predicted to result in loss of protein function (PVS1_very_strong). Data included in classification: Prevalence in affected versus controls GT-AG 1,2 splice site variant predicted to result in loss of protein function Data not included in classification: Functional data

Literature cited by the submitters: PubMed 16199547 (cited by Labcorp Genetics (formerly Invitae), Labcorp); PubMed 22974104 (cited by Labcorp Genetics (formerly Invitae), Labcorp); PubMed 24781757 (cited by Labcorp Genetics (formerly Invitae), Labcorp); PubMed 29177515 (cited by 6 submitters); PubMed 30877234 (cited by 5 submitters); PubMed 32782288 (cited by 5 submitters); PubMed 34750850 (cited by 4 submitters); PubMed 29978154 (cited by Institute for Genomic Medicine (IGM) Clinical Laboratory, Nationwide Children's Hospital); PubMed 32534711 (cited by Institute for Genomic Medicine (IGM) Clinical Laboratory, Nationwide Children's Hospital); PubMed 35053433 (cited by Institute for Genomic Medicine (IGM) Clinical Laboratory, Nationwide Children's Hospital); PubMed 26556299 (cited by 3 submitters); PubMed 28384794 (cited by Quest Diagnostics Nichols Institute San Juan Capistrano); PubMed 31263571 (cited by Quest Diagnostics Nichols Institute San Juan Capistrano and Clinical Genomics Laboratory, Stanford Medicine).